The following continues an entry in ClinVar:

NM_001009944.3(PKD1):c.5014_5015del (p.Arg1672fs)

Gene: PKD1. ClinVar aggregate classification (germline): Pathogenic. Pathogenic (28).

Submissions 15 to 31 of 31:

Women's Health and Genetics/Laboratory Corporation of America, LabCorp
Classification: Pathogenic for Polycystic kidney disease, adult type. Last evaluated: 2023-06-19. Review status: criteria provided, single submitter. Criteria: LabCorp Variant Classification Summary - May 2015. Collection method: clinical testing. Allele origin: germline.
Comment: Variant summary: PKD1 c.5014_5015delAG (p.Arg1672GlyfsX98) results in a premature termination codon, predicted to cause absence of the protein due to nonsense mediated decay, which is a commonly known mechanism for disease. The variant was absent in 244318 control chromosomes (gnomAD). c.5014_5015delAG has been reported in the literature in multiple individuals affected with Polycystic Kidney Disease 1 with evidence of cosegregation with disease (Al Alawi_2019). These data indicate that the variant is very likely to be associated with disease. The following publication has been ascertained in the context of this evaluation (PMID: 31844813). 15 submitters have provided clinical-significance assessments for this variant to ClinVar after 2014, and classified it as pathogenic. Based on the evidence outlined above, the variant was classified as pathogenic.

Clinical Genetics Laboratory, Skane University Hospital Lund
Classification: Pathogenic. Last evaluated: 2022-09-05. Review status: criteria provided, single submitter. Criteria: ACMG Guidelines, 2015. Collection method: clinical testing. Allele origin: germline. Affected: yes.

(GEEPAD) Grupo de Estudio de la Enfermedad Poliquística Autosómica Dominante, Hospitales Universitarios Virgen de las Nieves y San Cecilio (Granada)
Classification: Pathogenic for Polycystic kidney disease, adult type. Last evaluated: 2022-08-03. Review status: criteria provided, single submitter. Criteria: ACMG Guidelines, 2015. Collection method: clinical testing. Allele origin: germline. Affected: yes. Observed: 1 variant allele.

MGZ Medical Genetics Center
Classification: Pathogenic for Polycystic kidney disease, adult type. Last evaluated: 2022-07-05. Review status: criteria provided, single submitter. Criteria: ACMG Guidelines, 2015. Collection method: clinical testing. Allele origin: germline. Affected: yes. Observed: 2 variant alleles.
Comment: ACMG criteria applied: PVS1, PS4_MOD, PM2_SUP, PP1

GeneDx
Classification: Pathogenic. Last evaluated: 2021-11-02. Review status: criteria provided, single submitter. Criteria: GeneDx Variant Classification Process June 2021. Collection method: clinical testing. Allele origin: germline. Affected: yes.
Comment: Frameshift variant predicted to result in protein truncation or nonsense mediated decay in a gene for which loss-of-function is a known mechanism of disease; Not observed in large population cohorts (Lek et al., 2016); This variant is associated with the following publications: (PMID: 21744088, 22185115, 27499327, 17574468, 22383692, 29529603, 30333007, 31844813, 27165007, 26453610, 21983717, 23687354, 10577909, 28522688, 29633482, 22508176, 21115670, 17582161, 12842373, 15018634, 31740684, 31730820, 32166738, 30816285, 32823016)

Athena Diagnostics
Classification: Pathogenic. Last evaluated: 2020-06-10. Review status: criteria provided, single submitter. Criteria: Athena Diagnostics Criteria. Collection method: clinical testing. Allele origin: unknown.
Comment: The variant results in a shift of the reading frame, and is therefore predicted to result in the loss of a functional protein. Found in at least one patient with expected phenotype for this gene, and not found in general population data.

ARUP Laboratories, Molecular Genetics and Genomics, ARUP Laboratories
Classification: Pathogenic for Polycystic kidney disease, adult type. Last evaluated: 2020-06-02. Review status: criteria provided, single submitter. Criteria: ARUP Molecular Germline Variant Investigation Process. Collection method: clinical testing. Allele origin: germline.
Comment: The PKD1 c.5014_5015delAG; p.Arg1672fs variant (rs1555455457) is a recurrent alteration in patients diagnosed with autosomal dominant polycystic kidney disease (Audrezet 2012, Garcia-Gonzalez 2007, Hoefele 2011, Mallawaarachchi 2016, Rossetti 2003, Rossetti 2007, Rossetti 2012, Thongnoppakhun 2004, Watnick 1999). This variant is reported as pathogenic in ClinVar (Variation ID: 447985). It is absent from general population databases (Exome Variant Server, Genome Aggregation Database), indicating it is not a common polymorphism. This variant causes a frameshift by deleting two nucleotides, so it is predicted to result in a truncated protein or mRNA subject to nonsense-mediated decay. Based on available information, this variant is considered to be pathogenic. REFERENCES Audrezet M et al. Autosomal dominant polycystic kidney disease: comprehensive mutation analysis of PKD1 and PKD2 in 700 unrelated patients. Hum Mutat. 2012; 33(8):1239-50. Garcia-Gonzalez M et al. Evaluating the clinical utility of a molecular genetic test for polycystic kidney disease. Mol Genet Metab. 2007; 92(1-2):160-7. Hoefele J et al. Novel PKD1 and PKD2 mutations in autosomal dominant polycystic kidney disease (ADPKD). Nephrol Dial Transplant. 2011; 26(7):2181-8. Mallawaarachchi A et al. Whole-genome sequencing overcomes pseudogene homology to diagnose autosomal dominant polycystic kidney disease. Eur J Hum Genet. 2016; 24(11):1584-1590. Rossetti S et al. Association of mutation position in polycystic kidney disease 1 (PKD1) gene and development of a vascular phenotype. Lancet. 2003; 361(9376):2196-201. Rossetti S et al. Comprehensive molecular diagnostics in autosomal dominant polycystic kidney disease. J Am Soc Nephrol. 2007; 18(7):2143-60. Rossetti S et al. Identification of gene mutations in autosomal dominant polycystic kidney disease through targeted resequencing. J Am Soc Nephrol. 2012; 23(5):915-33. Thongnoppakhun W et al. Novel and de novo PKD1 mutations identified by multiple restriction fragment-single strand conformation polymorphism (MRF-SSCP). BMC Med Genet. 2004; 5:2. Watnick T et al. Mutation detection of PKD1 identifies a novel mutation common to three families with aneurysms and/or very-early-onset disease. Am J Hum Genet. 1999; 65(6):1561-71.

Cavalleri Lab, Royal College of Surgeons in Ireland
Classification: Pathogenic for Polycystic kidney disease, adult type. Last evaluated: 2020-02-05. Review status: criteria provided, single submitter. Criteria: ACMG Guidelines, 2015. Collection method: research. Allele origin: unknown. Inheritance: Autosomal dominant inheritance. Affected: yes.
Comment: PVS1, PM2, PP4

Molecular Biology Laboratory, Fundació Puigvert
Classification: Pathogenic for Polycystic kidney disease, adult type. Last evaluated: 2020-02-01. Review status: criteria provided, single submitter. Criteria: ACMG Guidelines, 2015. Collection method: research. Allele origin: germline. Affected: yes. Study: KidneyPanel_2020.

Cambridge Genomics Laboratory, East Genomic Laboratory Hub, NHS Genomic Medicine Service
Classification: Pathogenic for Renal cyst. Last evaluated: 2019-11-25. Review status: criteria provided, single submitter. Criteria: ACGS Best Practice Guidelines for Variant Classification in Rare Disease 2020. Collection method: clinical testing. Allele origin: germline. Affected: yes. Observed: 1 variant allele.

Mendelics
Classification: Pathogenic for Polycystic kidney disease, adult type. Last evaluated: 2019-05-28. Review status: criteria provided, single submitter. Criteria: Mendelics Assertion Criteria 2017. Collection method: clinical testing. Allele origin: unknown.

Gharavi Laboratory, Columbia University
Classification: Pathogenic. Last evaluated: 2018-09-16. Review status: criteria provided, single submitter. Criteria: ACMG Guidelines, 2015. Collection method: research. Allele origin: germline. Affected: yes.

Clinical Genetics Service, Universitary Hospital 12 de Octubre
Classification: Pathogenic for Polycystic kidney disease, adult type. Review status: criteria provided, single submitter. Criteria: ACMG Guidelines, 2015. Collection method: clinical testing. Allele origin: germline. Affected: yes.

Juno Genomics, Hangzhou Juno Genomics, Inc
Classification: Pathogenic for Polycystic kidney disease, adult type. Review status: criteria provided, single submitter. Criteria: ACMG Guidelines, 2015. Collection method: clinical testing. Allele origin: germline. Affected: yes.
Comment: Absent from controls (or at extremely low frequency if recessive) in Genome Aggregation Database.;Null variant in a gene where loss of function (LOF) is a known mechanism of disease.;The prevalence of the variant in affected individuals is significantly increased compared to the prevalence in controls.;Patient's phenotype or family history is highly specific for a disease with a single genetic etiology.

Bioscientia Institut fuer Medizinische Diagnostik GmbH, Sonic Healthcare
Classification: Pathogenic for Polycystic kidney disease, adult type. Last evaluated: 2019-11-27. Review status: no assertion criteria provided. Collection method: clinical testing. Allele origin: germline. Affected: yes. Not counted in ClinVar's aggregate classification.

OMIM
Classification: Pathogenic for POLYCYSTIC KIDNEY DISEASE 1, SEVERE. Last evaluated: 2017-08-07. Review status: no assertion criteria provided. Collection method: literature only. Allele origin: germline. Not counted in ClinVar's aggregate classification.

Department of Pathology and Laboratory Medicine, Sinai Health System
Classification: Pathogenic for Polycystic Kidney disease. Review status: no assertion criteria provided. Collection method: clinical testing. Allele origin: unknown. Affected: yes. Study: The Canadian Open Genetics Repository (COGR). Not counted in ClinVar's aggregate classification.
Comment: The PKD1 p.Arg1672GlyfsX98 variant was identified in 14 of 1562 proband chromosomes (frequency: 0.009) from individuals or unrelated families with ADPKD and was not identified in 506 control chromosomes from healthy individuals in the Italian, Chinese and the general population of the Greater Toronto Area (Carrera 2016, Hwang 2016, Yu 2011). In addition, the variant was identified in the ADPKD Mutation Database 43x as definitely pathogenic and in PKD1-LOVD 3.0 database 3x with no classification. The ADPKD variant was not identified in dbSNP, the 1000 Genomes Project, the NHLBI Exome Sequencing Project, the Exome Aggregation Consortium, GeneInsight COGR, ClinVar, Clinvitae, MutDB, and PKD1-LOVD databases. The c.5014_5015delAG variant is predicted to cause a frameshift, which alters the protein amino acid sequence beginning at codon 1672 and leads to a premature stop codon 98 codons downstream. This alteration is then predicted to result in a truncated or absent protein and loss of function. Loss of function variants of the PKD1 gene are an established mechanism of disease in autosomal dominant polycystic kidney disease and is the type of variant expected to cause the disorder. In summary, based on the above information, this variant meets our laboratoryâ€šÃ„Ã´s criteria to be classified as pathogenic.

Literature cited by the submitters: PubMed 22185115 (cited by Victorian Clinical Genetics Services, Murdoch Childrens Research Institute and Ambry Genetics); PubMed 17582161 (cited by Victorian Clinical Genetics Services, Murdoch Childrens Research Institute and Ambry Genetics); PubMed 10577909 (cited by 3billion); PubMed 26453610 (cited by Mayo Clinic Laboratories, Mayo Clinic); PubMed 29633482 (cited by Mayo Clinic Laboratories, Mayo Clinic and Ambry Genetics); PubMed 30333007 (cited by Mayo Clinic Laboratories, Mayo Clinic); PubMed 31844813 (cited by 3 submitters); PubMed 32166738 (cited by Mayo Clinic Laboratories, Mayo Clinic and Ambry Genetics); PubMed 32823016 (cited by Mayo Clinic Laboratories, Mayo Clinic); PubMed 33168999 (cited by Mayo Clinic Laboratories, Mayo Clinic and Ambry Genetics); PubMed 33532864 (cited by 3 submitters); PubMed 36755831 (cited by Mayo Clinic Laboratories, Mayo Clinic and Ambry Genetics); PubMed 37078890 (cited by Mayo Clinic Laboratories, Mayo Clinic); PubMed 30816285 (cited by Ambry Genetics); PubMed 30927425 (cited by Ambry Genetics); PubMed 31056860 (cited by Ambry Genetics); PubMed 21744088 (cited by Athena Diagnostics); PubMed 9668165 (cited by OMIM).